The following is an entry in ClinVar:

NM_002470.4(MYH3):c.3137G>A (p.Arg1046Gln)

Gene: MYH3 (myosin heavy chain 3; minus strand). Cytogenetic location: 17p13.1.
Variant type: single nucleotide variant.
Coding change: c.3137G>A on transcript NM_002470.4 (MANE Select); coding-DNA position 3137, G replaced by A.
Protein change: p.Arg1046Gln; replaces arginine 1046 with glutamine.
Molecular consequence: missense variant.
Genome position (GRCh38, 1-based): chr17:10,639,155, C>T on the plus strand (G>A on the coding strand, the complement: MYH3 is on the minus strand). VCF-style: chr17-10639155-C-T. GRCh37 (hg19) VCF-style: chr17-10542472-C-T.
Other names: short protein forms R1046Q.
Identifiers: ClinVar variation 321743 (VCV000321743.14), dbSNP rs142002449, ClinGen allele CA8392600.

ClinVar aggregate classification (germline): Conflicting classifications of pathogenicity. Review status: criteria provided, conflicting classifications (1 of 4 stars). 4 submissions from 3 submitters: Uncertain significance (2); Benign (1); Likely benign (1). Last evaluated 2024-03-18.

Conditions:
Inborn genetic diseases. Identifiers: MedGen C0950123, MeSH D030342.
Freeman-Sheldon syndrome (DA2A). Also called: CRANIOCARPOTARSAL DYSPLASIA; CRANIOCARPOTARSAL DYSTROPHY; WHISTLING FACE-WINDMILL VANE HAND SYNDROME; Arthrogryposis, distal, type 2A (Freeman-Sheldon). Identifiers: Orphanet 2053, MedGen C0265224, MONDO:0008675, OMIM 193700.
Distal arthrogryposis type 2B1 (DA2B1). Also called: Arthrogryposis multiplex congenita distal type II with craniofacial abnormalities. Identifiers: Orphanet 1147, MedGen C5193014, MONDO:0020820, OMIM 601680.

Allele frequency attached by ClinVar (database versions not stated): 1000 Genomes Project 0.00020; gnomAD 0.00026 and 0.00028; 1000 Genomes Project 30x 0.00031; TOPMed 0.00033; gnomAD exomes 0.00035 and 0.00041; ExAC 0.00040.
gnomAD v4.1: 559 of 1,614,080 alleles (0.035%); highest among the groups gnomAD compares: Middle Eastern, 0.066%; no homozygotes.

Submissions (4):

Labcorp Genetics (formerly Invitae), Labcorp
Classification: Likely benign. Last evaluated: 2024-03-18. Review status: criteria provided, single submitter. Criteria: Invitae Variant Classification Sherloc (09022015). Collection method: clinical testing. Allele origin: germline.

Ambry Genetics
Classification: Uncertain significance for Inborn genetic diseases. Last evaluated: 2024-02-05. Review status: criteria provided, single submitter. Criteria: Ambry Variant Classification Scheme 2023. Collection method: clinical testing. Allele origin: germline.

Illumina Laboratory Services, Illumina
Classification: Benign for Freeman-Sheldon syndrome. Last evaluated: 2018-01-13. Review status: criteria provided, single submitter. Criteria: ICSL Variant Classification Criteria 13 December 2019. Collection method: clinical testing. Allele origin: germline.
Comment: This variant was observed in the ICSL laboratory as part of a predisposition screen in an ostensibly healthy population. It had not been previously curated by ICSL or reported in the Human Gene Mutation Database (HGMD: prior to June 1st, 2018), and was therefore a candidate for classification through an automated scoring system. Utilizing variant allele frequency, disease prevalence and penetrance estimates, and inheritance mode, an automated score was calculated to assess if this variant is too frequent to cause the disease. Based on the score and internal cut-off values, a variant classified as benign is not then subjected to further curation. The score for this variant resulted in a classification of benign for this disease.

Illumina Laboratory Services, Illumina
Classification: Uncertain significance for Distal arthrogryposis type 2B1. Last evaluated: 2018-01-13. Review status: criteria provided, single submitter. Criteria: ICSL Variant Classification Criteria 13 December 2019. Collection method: clinical testing. Allele origin: germline.